The following is an entry in ClinVar:

NM_001105206.3(LAMA4):c.1716A>G (p.Leu572=)

Gene: LAMA4 (laminin subunit alpha 4; minus strand). Cytogenetic location: 6q21.
Variant type: single nucleotide variant.
Coding change: c.1716A>G on transcript NM_001105206.3 (MANE Select); coding-DNA position 1716, A replaced by G.
Protein change: p.Leu572=; no amino-acid change (leucine 572 retained).
Molecular consequence: synonymous variant.
Genome position (GRCh38, 1-based): chr6:112,158,833, T>C on the plus strand (A>G on the coding strand, the complement: LAMA4 is on the minus strand). VCF-style: chr6-112158833-T-C. GRCh37 (hg19) VCF-style: chr6-112480035-T-C.
Other names: c.1695A>G (LRG_433t2); c.1695A>G, p.Leu565= (NM_001105207.3, NM_002290.5).
Identifiers: ClinVar variation 392852 (VCV000392852.1), dbSNP rs1057524660, ClinGen allele CA16604960.
Genomic context (GRCh38, chr6:112,158,833, plus strand): 5'-GTCAATAGCTTCTTGGACTAAATCATGGCTGAGGTTACTTAGGTTAGATAGTTTTACTTG[T>C]AGTTCACTTTTGGCTCCATCTATTTCTGCATAAATCCCTGACGCATTCTAAAGAAAAAAA-3'
Protein context (NP_001098676.2, residues 562-582): YAEIDGAKSE[Leu572=]QVKLSNLSNL

ClinVar aggregate classification (germline): Likely benign (1 of 4 stars; one submission).

Allele frequency attached by ClinVar (database versions not stated): gnomAD exomes below 0.00001.
gnomAD v4.1: 1 of 1,613,208 alleles (0.000062%); highest among the groups gnomAD compares: East Asian, 0.0022%; no homozygotes.

Submission:

GeneDx
Classification: Likely benign. Last evaluated: 2017-01-16. Review status: criteria provided, single submitter. Criteria: GeneDx Variant Classification (06012015). Collection method: clinical testing. Allele origin: germline. Affected: yes.
Comment: This variant is considered likely benign or benign based on one or more of the following criteria: it is a conservative change, it occurs at a poorly conserved position in the protein, it is predicted to be benign by multiple in silico algorithms, and/or has population frequency not consistent with disease.